The following is an entry in ClinVar:

NM_005982.4(SIX1):c.55_57delinsAA (p.Glu19fs)

Gene: SIX1 (SIX homeobox 1; minus strand). Cytogenetic location: 14q23.1.
Variant type: Indel.
Coding change: c.55_57delinsAA on transcript NM_005982.4 (MANE Select); coding-DNA positions 55 to 57, GAG replaced by AA.
Protein change: p.Glu19fs; shifts the reading frame from glutamic acid 19.
Molecular consequence: frameshift variant.
Genome position (GRCh38, 1-based): chr14:60,649,133-60,649,135, CTC replaced by TT on the plus strand (GAG replaced by AA on the coding strand, the reverse complement: SIX1 is on the minus strand). VCF-style: chr14-60649133-CTC-TT. GRCh37 (hg19) VCF-style: chr14-61115851-CTC-TT.
Other names: c.55_57delinsAA, p.Glu19fs (NM_001425142.1); short protein forms E19fs.
Identifiers: ClinVar variation 4887680 (VCV004887680.1).
Genomic context (GRCh38, chr14:60,649,133, plus strand): 5'-GGCGGGCAGTGACCACAGGAACCTGCCCAGGCGCTCCAGGTTTCCGCCTTGCTGCAGAAC[CTC>TT]GCACACGCACGCCACTTGCTCCTGCGTAAAGCCAAACGACGGCAGCATCGACATGGCTGG-3'

ClinVar aggregate classification (germline): Pathogenic (1 of 4 stars; one submission).

Conditions:
Branchiootic syndrome 3 (BOS3). Also called: BO SYNDROME 3. Identifiers: MedGen C1842124, MONDO:0012025, OMIM 608389.

Submission:

Women's Health and Genetics/Laboratory Corporation of America, LabCorp
Classification: Pathogenic for Branchiootic syndrome 3. Last evaluated: 2026-06-25. Review status: criteria provided, single submitter. Criteria: LabCorp Variant Classification Summary - May 2015. Collection method: clinical testing. Allele origin: germline.
Comment: Variant summary: SIX1 c.55_57delinsAA (p.Glu19LysfsX70) results in a premature termination codon, predicted to cause a truncation of the encoded protein or absence of the protein due to nonsense mediated decay, which are commonly known mechanisms for disease. Loss-of-function variants in this gene are known to be pathogenic. The variant was absent in 248614 control chromosomes. To our knowledge, no occurrence of c.55_57delinsAA in individuals affected with SIX1-related conditions and no experimental evidence demonstrating its impact on protein function have been reported. Multiple up- and down-stream nonsense and frameshift variants have been reported to be associated with SIX-1 related disorders and have been classified as P by our lab. No submitters have cited clinical-significance assessments for this variant to ClinVar. Based on the evidence outlined above, the variant was classified as pathogenic.